The following is an entry in ClinVar:

NM_001365951.3(KIF1B):c.2968A>G (p.Ile990Val)

Gene: KIF1B (kinesin family member 1B; plus strand). Cytogenetic location: 1p36.22.
Variant type: single nucleotide variant.
Coding change: c.2968A>G on transcript NM_001365951.3 (MANE Select); coding-DNA position 2968, A replaced by G.
Protein change: p.Ile990Val; replaces isoleucine 990 with valine.
Molecular consequence: missense variant.
Genome position (GRCh38, 1-based): chr1:10,334,563, A>G. VCF-style: chr1-10334563-A-G. GRCh37 (hg19) VCF-style: chr1-10394621-A-G.
Other names: c.2968A>G, p.Ile990Val (NM_001365952.1); c.2830A>G, p.Ile944Val (NM_015074.3); short protein forms I944V, I990V.
Identifiers: ClinVar variation 4092353 (VCV004092353.1).

ClinVar aggregate classification (germline): Uncertain significance (1 of 4 stars; one submission).

Submission:

Ambry Genetics
Classification: Uncertain significance. Last evaluated: 2025-07-28. Review status: criteria provided, single submitter. Criteria: Ambry Variant Classification Scheme 2023. Collection method: clinical testing. Allele origin: germline.
Comment: The p.I944V variant (also known as c.2830A>G), located in coding exon 25 of the KIF1B gene, results from an A to G substitution at nucleotide position 2830. The isoleucine at codon 944 is replaced by valine, an amino acid with highly similar properties. This amino acid position is conserved. In addition, this alteration is predicted to be tolerated by in silico analysis. Based on the available evidence, the clinical significance of this variant remains unclear.